The following is an entry in ClinVar:

NM_018112.3(TMEM38B):c.417T>C (p.Asn139=)

Gene: TMEM38B (transmembrane protein 38B; plus strand). Cytogenetic location: 9q31.2.
Variant type: single nucleotide variant.
Coding change: c.417T>C on transcript NM_018112.3 (MANE Select); coding-DNA position 417, T replaced by C.
Protein change: p.Asn139=; no amino-acid change (asparagine 139 retained).
Molecular consequence: synonymous variant.
Genome position (GRCh38, 1-based): chr9:105,721,684, T>C. VCF-style: chr9-105721684-T-C. GRCh37 (hg19) VCF-style: chr9-108483965-T-C.
Other names: p.Asn139=.
Identifiers: ClinVar variation 513088 (VCV000513088.13), dbSNP rs114107985, ClinGen allele CA5170860.

ClinVar aggregate classification (germline): Benign. Review status: criteria provided, multiple submitters, no conflicts (2 of 4 stars). 4 submissions from 4 submitters: Benign (4). Last evaluated 2026-01-25.

Allele frequency attached by ClinVar (database versions not stated): gnomAD exomes 0.00086 and 0.00210; ExAC 0.00260; 1000 Genomes Project 0.00839; 1000 Genomes Project 30x 0.00890; gnomAD 0.00907 and 0.00976; ESP Exome Variant Server 0.00953; TOPMed 0.00994.
gnomAD v4.1: 2,698 of 1,613,218 alleles (0.17%); highest among the groups gnomAD compares: African/African-American, 3.2%; 50 homozygotes.

Submissions (4):

Labcorp Genetics (formerly Invitae), Labcorp
Classification: Benign. Last evaluated: 2026-01-25. Review status: criteria provided, single submitter. Criteria: Invitae Variant Classification Sherloc (09022015). Collection method: clinical testing. Allele origin: germline.

Mayo Clinic Laboratories, Mayo Clinic
Classification: Benign. Last evaluated: 2023-03-28. Review status: criteria provided, single submitter. Criteria: ACMG Guidelines, 2015. Collection method: clinical testing. Allele origin: germline. Observed: 2 variant alleles.
Comment: BS1, BS2, BP4, BP7

GeneDx
Classification: Benign. Last evaluated: 2017-11-13. Review status: criteria provided, single submitter. Criteria: GeneDx Variant Classification (06012015). Collection method: clinical testing. Allele origin: germline. Affected: yes.
Comment: This variant is considered likely benign or benign based on one or more of the following criteria: it is a conservative change, it occurs at a poorly conserved position in the protein, it is predicted to be benign by multiple in silico algorithms, and/or has population frequency not consistent with disease.

Breakthrough Genomics
Classification: Benign. Review status: criteria provided, single submitter. Criteria: ACMG Guidelines, 2015. Collection method: not provided. Allele origin: germline. Inheritance: Autosomal recessive inheritance. Affected: yes.